The following is an entry in ClinVar:

ClinVar aggregate classification (germline): Uncertain significance. Review status: criteria provided, multiple submitters, no conflicts (2 of 4 stars). 2 submissions from 2 submitters: Uncertain significance (2). Last evaluated 2018-06-07.

Conditions:
Bethlem myopathy 1A. Also called: Bethlem myopathy 1; MYOPATHY, BENIGN CONGENITAL, WITH CONTRACTURES; Bethlem Muscular Dystrophy. Identifiers: Orphanet 610, MedGen CN029274, MONDO:0024530, OMIM 158810.

Allele frequency attached by ClinVar (database versions not stated): gnomAD exomes below 0.00001.
gnomAD v4.1: 1 of 1,612,468 alleles (0.000062%); no homozygotes.

Submissions (2):

Labcorp Genetics (formerly Invitae), Labcorp
Classification: Uncertain significance for Bethlem myopathy 1A. Last evaluated: 2018-06-07. Review status: criteria provided, single submitter. Criteria: Invitae Variant Classification Sherloc (09022015). Collection method: clinical testing. Allele origin: germline.
Comment: In summary, the available evidence is currently insufficient to determine the role of this variant in disease. Therefore, it has been classified as a Variant of Uncertain Significance. Algorithms developed to predict the effect of sequence changes on RNA splicing suggest that this variant may create or strengthen a splice site, but this prediction has not been confirmed by published transcriptional studies. This variant has not been reported in the literature in individuals with COL6A1-related disease. This variant is not present in population databases (ExAC no frequency). This sequence change replaces glycine with valine at codon 126 of the COL6A1 protein (p.Gly126Val). The glycine residue is highly conserved and there is a moderate physicochemical difference between glycine and valine.

Eurofins Ntd Llc (ga)
Classification: Uncertain significance. Last evaluated: 2018-06-01. Review status: criteria provided, single submitter. Criteria: EGL ClinVar v180209 classification definitions. Collection method: clinical testing. Allele origin: germline. Observed: 1 variant allele, 1 heterozygote.

NM_001848.3(COL6A1):c.377G>T (p.Gly126Val)

Gene: COL6A1 (collagen type VI alpha 1 chain; plus strand). Cytogenetic location: 21q22.3.
Variant type: single nucleotide variant.
Coding change: c.377G>T on transcript NM_001848.3 (MANE Select); coding-DNA position 377, G replaced by T.
Protein change: p.Gly126Val; replaces glycine 126 with valine.
Molecular consequence: missense variant.
Genome position (GRCh38, 1-based): chr21:45,984,418, G>T. VCF-style: chr21-45984418-G-T. GRCh37 (hg19) VCF-style: chr21-47404332-G-T.
Other names: short protein forms G126V.
Identifiers: ClinVar variation 567714 (VCV000567714.12), dbSNP rs1300015385, ClinGen allele CA410516252.